The following is an entry in ClinVar:

NM_052947.4(ALPK2):c.4111A>C (p.Asn1371His)

Genes: ALPK2 (alpha kinase 2; minus strand), LOC126862764 (BRD4-independent group 4 enhancer GRCh37_chr18:56202574-56203773; plus strand). Cytogenetic location: 18q21.31.
Variant type: single nucleotide variant.
Coding change: c.4111A>C on transcript NM_052947.4 (MANE Select); coding-DNA position 4111, A replaced by C.
Protein change: p.Asn1371His; replaces asparagine 1371 with histidine.
Molecular consequence: missense variant.
Genome position (GRCh38, 1-based): chr18:58,536,076, T>G on the plus strand (A>C on the coding strand, the complement: ALPK2 is on the minus strand). VCF-style: chr18-58536076-T-G. GRCh37 (hg19) VCF-style: chr18-56203308-T-G.
Other names: short protein forms N1371H.
Identifiers: ClinVar variation 1737930 (VCV001737930.2), dbSNP rs750673832, ClinGen allele CA8976773.

ClinVar aggregate classification (germline): Uncertain significance (1 of 4 stars; one submission).

Allele frequency attached by ClinVar (database versions not stated): ExAC 0.00001.

Submission:

Ambry Genetics
Classification: Uncertain significance. Last evaluated: 2022-09-30. Review status: criteria provided, single submitter. Criteria: Ambry Variant Classification Scheme 2023. Collection method: clinical testing. Allele origin: germline.
Comment: The p.N1371H variant (also known as c.4111A>C), located in coding exon 4 of the ALPK2 gene, results from an A to C substitution at nucleotide position 4111. The asparagine at codon 1371 is replaced by histidine, an amino acid with similar properties. This amino acid position is conserved. In addition, this alteration is predicted to be tolerated by in silico analysis. Since supporting evidence is limited at this time, the clinical significance of this alteration remains unclear.